The following is an entry in ClinVar:

NM_000018.4(ACADVL):c.1310T>C (p.Met437Thr)

Gene: ACADVL (acyl-CoA dehydrogenase very long chain; plus strand). Cytogenetic location: 17p13.1.
Variant type: single nucleotide variant.
Coding change: c.1310T>C on transcript NM_000018.4 (MANE Select); coding-DNA position 1310, T replaced by C.
Protein change: p.Met437Thr; replaces methionine 437 with threonine.
Molecular consequence: missense variant.
Genome position (GRCh38, 1-based): chr17:7,223,853, T>C. VCF-style: chr17-7223853-T-C. GRCh37 (hg19) VCF-style: chr17-7127172-T-C.
Other names: c.1244T>C, p.Met415Thr (NM_001033859.3); c.1379T>C, p.Met460Thr (NM_001270447.2); c.1082T>C, p.Met361Thr (NM_001270448.2); short protein forms M460T, M361T, M437T, M415T.
Identifiers: ClinVar variation 869108 (VCV000869108.35), dbSNP rs2071345821, ClinGen allele CA397724838.
Genomic context (GRCh38, chr17:7,223,853, plus strand): 5'-CATCTGTTCTTTGTCCCTAGGAGGCAGCCTGGAAGGTGACAGATGAATGCATCCAAATCA[T>C]GGGGGGTATGGGCTTCATGAAGGTACAGGACGGTCTTCTGCAGAGCCTCGGCTGGGCCAG-3'
Protein context (NP_000009.1, residues 427-447): WKVTDECIQI[Met437Thr]GGMGFMKEPG

ClinVar aggregate classification (germline): Pathogenic/Likely pathogenic. Review status: criteria provided, multiple submitters, no conflicts (2 of 4 stars). 5 submissions from 5 submitters: Pathogenic (2); Likely pathogenic (3). Last evaluated 2023-12-11.

Conditions:
Very long chain acyl-CoA dehydrogenase deficiency (ACADVLD). Also called: VLCAD Deficiency; Very Long-Chain Acyl-Coenzyme A Dehydrogenase Deficiency. Identifiers: Orphanet 26793, MedGen C3887523, MONDO:0008723, OMIM 201475.
Abnormality of the musculature. Identifiers: MedGen C4021745, HP:0003011.

Allele frequency attached by ClinVar (database versions not stated): gnomAD exomes below 0.00001.

Submissions (5):

Labcorp Genetics (formerly Invitae), Labcorp
Classification: Pathogenic for Very long chain acyl-CoA dehydrogenase deficiency. Last evaluated: 2023-12-11. Review status: criteria provided, single submitter. Criteria: Invitae Variant Classification Sherloc (09022015). Collection method: clinical testing. Allele origin: germline.
Comment: This sequence change replaces methionine, which is neutral and non-polar, with threonine, which is neutral and polar, at codon 437 of the ACADVL protein (p.Met437Thr). This variant is not present in population databases (gnomAD no frequency). This missense change has been observed in individual(s) with very long-chain acyl-CoA dehydrogenase deficiency (PMID: 24801231; Invitae). ClinVar contains an entry for this variant (Variation ID: 869108). Advanced modeling of protein sequence and biophysical properties (such as structural, functional, and spatial information, amino acid conservation, physicochemical variation, residue mobility, and thermodynamic stability) performed at Invitae indicates that this missense variant is expected to disrupt ACADVL protein function with a positive predictive value of 95%. This variant disrupts the p.Met437 amino acid residue in ACADVL. Other variant(s) that disrupt this residue have been determined to be pathogenic (PMID: 11914034). This suggests that this residue is clinically significant, and that variants that disrupt this residue are likely to be disease-causing. For these reasons, this variant has been classified as Pathogenic.

Baylor Genetics
Classification: Likely pathogenic for Very long chain acyl-CoA dehydrogenase deficiency. Last evaluated: 2023-06-12. Review status: criteria provided, single submitter. Criteria: ACMG Guidelines, 2015. Collection method: clinical testing. Allele origin: unknown.

Kariminejad - Najmabadi Pathology & Genetics Center
Classification: Likely pathogenic for Abnormality of the musculature. Last evaluated: 2021-07-10. Review status: criteria provided, single submitter. Criteria: ACMG Guidelines, 2015. Collection method: clinical testing. Allele origin: germline. Affected: yes.

Wong Mito Lab, Molecular and Human Genetics, Baylor College of Medicine
Classification: Likely pathogenic for Very long chain acyl-CoA dehydrogenase deficiency. Last evaluated: 2019-11-01. Review status: criteria provided, single submitter. Criteria: ACMG Guidelines, 2015. Collection method: clinical testing. Allele origin: germline.
Comment: The NM_000018.3:c.1310T>C (NP_000009.1:p.Met437Thr) [GRCH38: NC_000017.11:g.7223853T>C] variant in ACADVL gene is interpretated to be Likely Pathogenic based on ACMG guidelines (PMID: 25741868). This variant has been reported. This variant meets the following evidence codes reported in the ACMG guidelines: PS3, PM3, PP3, PP4

Juno Genomics, Hangzhou Juno Genomics, Inc
Classification: Pathogenic for Very long chain acyl-CoA dehydrogenase deficiency. Review status: criteria provided, single submitter. Criteria: ACMG Guidelines, 2015. Collection method: clinical testing. Allele origin: germline.
Comment: Absent from controls (or at extremely low frequency if recessive) in Genome Aggregation Database.;Multiple lines of computational evidence support a deleterious effect on the gene or gene product.;For recessive disorders, detected in trans with a pathogenic variant.;Patient's phenotype or family history is highly specific for a disease with a single genetic etiology.

Literature cited by the submitters: PubMed 24801231 (cited by Labcorp Genetics (formerly Invitae), Labcorp and Wong Mito Lab, Molecular and Human Genetics, Baylor College of Medicine); PubMed 11914034 (cited by Labcorp Genetics (formerly Invitae), Labcorp).